The following is an entry in ClinVar:

NM_004048.4(B2M):c.135C>G (p.Cys45Trp)

Gene: B2M (beta-2-microglobulin; plus strand). Cytogenetic location: 15q21.1.
Variant type: single nucleotide variant.
Coding change: c.135C>G on transcript NM_004048.4 (MANE Select); coding-DNA position 135, C replaced by G.
Protein change: p.Cys45Trp; replaces cysteine 45 with tryptophan.
Molecular consequence: missense variant.
Genome position (GRCh38, 1-based): chr15:44,715,490, C>G. VCF-style: chr15-44715490-C-G. GRCh37 (hg19) VCF-style: chr15-45007688-C-G.
Other names: short protein forms C45W.
Identifiers: ClinVar variation 2848870 (VCV002848870.3), dbSNP rs2086930618, ClinGen allele CA392232725.

ClinVar aggregate classification (germline): Uncertain significance (1 of 4 stars; one submission).

Conditions:
Hypoproteinemia, hypercatabolic (IMD43). Also called: MHC CLASS I DEFICIENCY 4; IMMUNODEFICIENCY 43; BETA-2-MICROGLOBULIN DEFICIENCY; B2M DEFICIENCY. Identifiers: MedGen C1855796, MONDO:0009434, OMIM 241600.

Submission:

Labcorp Genetics (formerly Invitae), Labcorp
Classification: Uncertain significance for Hypoproteinemia, hypercatabolic. Last evaluated: 2023-03-23. Review status: criteria provided, single submitter. Criteria: Invitae Variant Classification Sherloc (09022015). Collection method: clinical testing. Allele origin: germline.
Comment: This sequence change replaces cysteine, which is neutral and slightly polar, with tryptophan, which is neutral and slightly polar, at codon 45 of the B2M protein (p.Cys45Trp). This variant is not present in population databases (gnomAD no frequency). This variant has not been reported in the literature in individuals affected with B2M-related conditions. An algorithm developed to predict the effect of missense changes on protein structure and function (PolyPhen-2) suggests that this variant is likely to be disruptive. Algorithms developed to predict the effect of sequence changes on RNA splicing suggest that this variant may create or strengthen a splice site. In summary, the available evidence is currently insufficient to determine the role of this variant in disease. Therefore, it has been classified as a Variant of Uncertain Significance.